The following is an entry in ClinVar:

ClinVar aggregate classification (germline): Uncertain significance (1 of 4 stars; one submission).

Conditions:
Peroxisome biogenesis disorder. Identifiers: Orphanet 79189, MedGen C1832200, MONDO:0019234. Disease mechanism: loss of function.

Submission:

Labcorp Genetics (formerly Invitae), Labcorp
Classification: Uncertain significance for Peroxisome biogenesis disorder. Last evaluated: 2021-08-07. Review status: criteria provided, single submitter. Criteria: Invitae Variant Classification Sherloc (09022015). Collection method: clinical testing. Allele origin: germline.
Comment: In summary, the available evidence is currently insufficient to determine the role of this variant in disease. Therefore, it has been classified as a Variant of Uncertain Significance. Algorithms developed to predict the effect of missense changes on protein structure and function (SIFT, PolyPhen-2, Align-GVGD) all suggest that this variant is likely to be tolerated. This variant has not been reported in the literature in individuals affected with PEX6-related conditions. The frequency data for this variant in the population databases is considered unreliable, as metrics indicate insufficient coverage at this position in the ExAC database. This sequence change replaces leucine with methionine at codon 166 of the PEX6 protein (p.Leu166Met). The leucine residue is weakly conserved and there is a small physicochemical difference between leucine and methionine.

NM_000287.4(PEX6):c.496C>A (p.Leu166Met)

Gene: PEX6 (peroxisomal biogenesis factor 6; minus strand). Cytogenetic location: 6p21.1.
Variant type: single nucleotide variant.
Coding change: c.496C>A on transcript NM_000287.4 (MANE Select); coding-DNA position 496, C replaced by A.
Protein change: p.Leu166Met; replaces leucine 166 with methionine.
Molecular consequence: missense variant. On other transcripts: non-coding transcript variant (1).
Genome position (GRCh38, 1-based): chr6:42,978,655, G>T on the plus strand (C>A on the coding strand, the complement: PEX6 is on the minus strand). VCF-style: chr6-42978655-G-T. GRCh37 (hg19) VCF-style: chr6-42946393-G-T.
Other names: c.496C>A, p.Leu166Met (NM_001316313.2); short protein forms L166M.
Identifiers: ClinVar variation 1373331 (VCV001373331.6), dbSNP rs1770417803, ClinGen allele CA364164867.
Genomic context (GRCh38, chr6:42,978,655, plus strand): 5'-CAAAGGAGGACACCACGGGCGGGGGTGGGGGCCGACTGCTGTCCCCAGACTCTGGACACA[G>T]TCTGGCCCGCCCGCGGAGCTCAGTCACAGCCAGCCGAGTCCCTGGGCCCAGCAGCCCTTG-3'
Protein context (NP_000278.3, residues 156-176): AVTELRGRAR[Leu166Met]CPESGDSSRP